The following is an entry in ClinVar:

ClinVar aggregate classification (germline): Likely benign (1 of 4 stars; one submission).

Conditions:
Marfan syndrome (MFS). Also called: MARFAN SYNDROME, TYPE I; Marfan syndrome type 1; Marfan's syndrome; FBN1-Related Marfan Syndrome; Marfan syndrome, classic. Identifiers: Orphanet 284963, Orphanet 558, MedGen C0024796, MONDO:0007947, OMIM 154700.

Submission:

All of Us Research Program, National Institutes of Health
Classification: Likely benign for Marfan syndrome. Last evaluated: 2024-05-30. Review status: criteria provided, single submitter. Criteria: ACMG Guidelines, 2015. Collection method: clinical testing. Allele origin: germline. Inheritance: Autosomal dominant inheritance. Observed: 1 variant allele, 1 heterozygote.
Comment: This study involves interpretation of variants in research participants for the purpose of population health screening. Participant phenotype was not available at the time of variant classification. Additional details can be found in publication PMID: 35346344, PMCID: PMC8962531

NM_000138.5(FBN1):c.4557G>A (p.Leu1519=)

Gene: FBN1 (fibrillin 1; minus strand). Cytogenetic location: 15q21.1.
Variant type: single nucleotide variant.
Coding change: c.4557G>A on transcript NM_000138.5 (MANE Select); coding-DNA position 4557, G replaced by A.
Protein change: p.Leu1519=; no amino-acid change (leucine 1519 retained).
Molecular consequence: synonymous variant.
Genome position (GRCh38, 1-based): chr15:48,468,437, C>T on the plus strand (G>A on the coding strand, the complement: FBN1 is on the minus strand). VCF-style: chr15-48468437-C-T. GRCh37 (hg19) VCF-style: chr15-48760634-C-T.
Other names: c.4557G>A, p.Leu1519= (NM_001406716.1).
Identifiers: ClinVar variation 3386794 (VCV003386794.1).